The following is an entry in ClinVar:

ClinVar aggregate classification (germline): Likely benign. Review status: criteria provided, multiple submitters, no conflicts (2 of 4 stars). 2 submissions from 2 submitters: Likely benign (2). Last evaluated 2018-06-14.

Allele frequency attached by ClinVar (database versions not stated): TOPMed 0.01179; gnomAD 0.01344 and 0.01464; 1000 Genomes Project 30x 0.01889; 1000 Genomes Project 0.01997.
gnomAD v4.1: 2,222 of 152,234 alleles (1.5%); highest among the groups gnomAD compares: South Asian, 5%; 23 homozygotes.

Submissions (4):

GeneDx
Classification: Likely benign. Last evaluated: 2018-06-14. Review status: criteria provided, single submitter. Criteria: GeneDx Variant Classification (06012015). Collection method: clinical testing. Allele origin: germline. Affected: yes.
Comment: This variant is considered likely benign or benign based on one or more of the following criteria: it is a conservative change, it occurs at a poorly conserved position in the protein, it is predicted to be benign by multiple in silico algorithms, and/or has population frequency not consistent with disease.

Breakthrough Genomics
Classification: Likely benign. Review status: criteria provided, single submitter. Criteria: ACMG Guidelines, 2015. Collection method: not provided. Allele origin: germline. Inheritance: Autosomal dominant inheritance. Affected: yes.

Dr. Peter K. Rogan Lab, Western University
No classification provided (evidence only). Condition: Acute myeloid leukemia. Review status: no classification provided. Collection method: in vitro. Allele origin: not applicable. Functional consequence: retained intron. Not counted in ClinVar's aggregate classification.

Dr. Peter K. Rogan Lab, Western University
No classification provided (evidence only). Condition: Malignant tumor of esophagus. Review status: no classification provided. Collection method: in vitro. Allele origin: not applicable. Functional consequence: retained intron. Not counted in ClinVar's aggregate classification.

NM_001127222.2(CACNA1A):c.1082+186C>A

Genes: CACNA1A (calcium voltage-gated channel subunit alpha1 A; minus strand), LOC126862866 (MED14-independent group 3 enhancer GRCh37_chr19:13445719-13446918; plus strand). Cytogenetic location: 19p13.13.
Variant type: single nucleotide variant.
Coding change: c.1082+186C>A on transcript NM_001127222.2 (MANE Select); 186 bases into the intron after coding-DNA position 1082, C replaced by A.
Molecular consequence: intron variant.
Genome position (GRCh38, 1-based): chr19:13,335,620, G>T on the plus strand (C>A on the coding strand, the complement: CACNA1A is on the minus strand). VCF-style: chr19-13335620-G-T. GRCh37 (hg19) VCF-style: chr19-13446434-G-T.
Other names: NC_000019.9:g.13446434G>T; c.1082+186C>A (NM_001127221.2, NM_001174080.2, NM_000068.4 and 1 more transcripts).
Identifiers: ClinVar variation 671715 (VCV000671715.3), dbSNP rs116966283, ClinGen allele CA305540871.